The following is an entry in ClinVar:

NM_001257096.2(PAX1):c.1255A>T (p.Met419Leu)

Gene: PAX1 (paired box 1; plus strand). Cytogenetic location: 20p11.22.
Variant type: single nucleotide variant.
Coding change: c.1255A>T on transcript NM_001257096.2 (MANE Select); coding-DNA position 1255, A replaced by T.
Protein change: p.Met419Leu; replaces methionine 419 with leucine.
Molecular consequence: missense variant.
Genome position (GRCh38, 1-based): chr20:21,709,417, A>T. VCF-style: chr20-21709417-A-T. GRCh37 (hg19) VCF-style: chr20-21690055-A-T.
Other names: c.1255A>T, p.Met419Leu (NM_006192.5); short protein forms M419L.
Identifiers: ClinVar variation 1466781 (VCV001466781.8), dbSNP rs2122140201, ClinGen allele CA408499662.

ClinVar aggregate classification (germline): Uncertain significance (1 of 4 stars; one submission).

Submission:

Labcorp Genetics (formerly Invitae), Labcorp
Classification: Uncertain significance. Last evaluated: 2023-08-17. Review status: criteria provided, single submitter. Criteria: Invitae Variant Classification Sherloc (09022015). Collection method: clinical testing. Allele origin: germline.
Comment: In summary, the available evidence is currently insufficient to determine the role of this variant in disease. Therefore, it has been classified as a Variant of Uncertain Significance. Advanced modeling of protein sequence and biophysical properties (such as structural, functional, and spatial information, amino acid conservation, physicochemical variation, residue mobility, and thermodynamic stability) performed at Invitae indicates that this missense variant is not expected to disrupt PAX1 protein function. ClinVar contains an entry for this variant (Variation ID: 1466781). This variant has not been reported in the literature in individuals affected with PAX1-related conditions. This sequence change replaces methionine, which is neutral and non-polar, with leucine, which is neutral and non-polar, at codon 419 of the PAX1 protein (p.Met419Leu). This variant is not present in population databases (gnomAD no frequency).